The following is an entry in ClinVar:

ClinVar aggregate classification (germline): Uncertain significance (1 of 4 stars; one submission).

gnomAD v4.1: 1 of 1,590,738 alleles (0.000063%); highest among the groups gnomAD compares: Middle Eastern, 0.017%; no homozygotes.

Submission:

Labcorp Genetics (formerly Invitae), Labcorp
Classification: Uncertain significance. Last evaluated: 2022-01-06. Review status: criteria provided, single submitter. Criteria: Invitae Variant Classification Sherloc (09022015). Collection method: clinical testing. Allele origin: germline.
Comment: In summary, the available evidence is currently insufficient to determine the role of this variant in disease. Therefore, it has been classified as a Variant of Uncertain Significance. Algorithms developed to predict the effect of sequence changes on RNA splicing suggest that this variant may create or strengthen a splice site. Algorithms developed to predict the effect of missense changes on protein structure and function output the following: SIFT: "Deleterious"; PolyPhen-2: "Benign"; Align-GVGD: "Class C0". The tyrosine amino acid residue is found in multiple mammalian species, which suggests that this missense change does not adversely affect protein function. ClinVar contains an entry for this variant (Variation ID: 860655). This variant has not been reported in the literature in individuals affected with RIMS1-related conditions. This variant is not present in population databases (gnomAD no frequency). This sequence change replaces histidine, which is basic and polar, with tyrosine, which is neutral and polar, at codon 1044 of the RIMS1 protein (p.His1044Tyr).

NM_014989.7(RIMS1):c.3130C>T (p.His1044Tyr)

Gene: RIMS1 (regulating synaptic membrane exocytosis 1; plus strand). Cytogenetic location: 6q13.
Variant type: single nucleotide variant.
Coding change: c.3130C>T on transcript NM_014989.7 (MANE Select); coding-DNA position 3130, C replaced by T.
Protein change: p.His1044Tyr; replaces histidine 1044 with tyrosine.
Molecular consequence: missense variant. On other transcripts: intron variant (58).
Genome position (GRCh38, 1-based): chr6:72,264,988, C>T. VCF-style: chr6-72264988-C-T. GRCh37 (hg19) VCF-style: chr6-72974691-C-T.
Other names: c.1549C>T, p.His517Tyr (NM_001350418.2, NM_001350434.2, NM_001350436.2); c.1552C>T, p.His518Tyr (NM_001350458.2); c.1507C>T, p.His503Tyr (NM_001350470.2); c.1470-972C>T (NM_001350428.2, NM_001350459.2, NM_001350424.2 and 1 more transcripts); c.1467-972C>T (NM_001350437.2, NM_001350430.2, NM_001350421.2 and 1 more transcripts); c.1539-972C>T (NM_001350433.2, NM_001350446.2, NM_001350442.2 and 8 more transcripts); c.1538+4221C>T (NM_001350431.2); c.1476-972C>T (NM_001350457.2); and 13 more; short protein forms H1044Y, H517Y, H518Y, H503Y.
Identifiers: ClinVar variation 860655 (VCV000860655.9), dbSNP rs2079772495, ClinGen allele CA364685160.